The following is an entry in ClinVar:

ClinVar aggregate classification (germline): Uncertain significance. Review status: criteria provided, multiple submitters, no conflicts (2 of 4 stars). 2 submissions from 2 submitters: Uncertain significance (2). Last evaluated 2025-10-29.

Allele frequency attached by ClinVar (database versions not stated): gnomAD exomes below 0.00001; gnomAD 0.00001; TOPMed 0.00001.
gnomAD v4.1: 2 of 1,602,408 alleles (0.00012%); highest among the groups gnomAD compares: African/African-American, 0.0027%; no homozygotes.

Submissions (2):

Women's Health and Genetics/Laboratory Corporation of America, LabCorp
Classification: Uncertain significance. Last evaluated: 2025-10-29. Review status: criteria provided, single submitter. Criteria: LabCorp Variant Classification Summary - May 2015. Collection method: clinical testing. Allele origin: germline.
Comment: Variant summary: CHD1 c.4132A>G (p.Arg1378Gly) results in a non-conservative amino acid change in the encoded protein sequence. Algorithms developed to predict the effect of missense changes on protein structure and function are either unavailable or do not agree on the potential impact of this missense change. The variant was absent in 237396 control chromosomes. The available data on variant occurrences in the general population are insufficient to allow any conclusion about variant significance. To our knowledge, no occurrence of c.4132A>G in individuals affected with CHD1-related conditions and no experimental evidence demonstrating its impact on protein function have been reported. ClinVar contains an entry for this variant (Variation ID: 1712704). Based on the evidence outlined above, the variant was classified as uncertain significance.

GeneDx
Classification: Uncertain significance. Last evaluated: 2022-04-27. Review status: criteria provided, single submitter. Criteria: GeneDx Variant Classification Process June 2021. Collection method: clinical testing. Allele origin: germline. Affected: yes.
Comment: Not observed at significant frequency in large population cohorts (gnomAD); In silico analysis supports that this missense variant has a deleterious effect on protein structure/function; Has not been previously published as pathogenic or benign to our knowledge

NM_001270.4(CHD1):c.4132A>G (p.Arg1378Gly)

Gene: CHD1 (chromodomain helicase DNA binding protein 1; minus strand). Cytogenetic location: 5q15.
Variant type: single nucleotide variant.
Coding change: c.4132A>G on transcript NM_001270.4 (MANE Select); coding-DNA position 4132, A replaced by G.
Protein change: p.Arg1378Gly; replaces arginine 1378 with glycine.
Molecular consequence: missense variant. On other transcripts: non-coding transcript variant (2).
Genome position (GRCh38, 1-based): chr5:98,868,611, T>C on the plus strand (A>G on the coding strand, the complement: CHD1 is on the minus strand). VCF-style: chr5-98868611-T-C. GRCh37 (hg19) VCF-style: chr5-98204315-T-C.
Other names: c.4396A>G, p.Arg1466Gly (NM_001364113.3); c.4132A>G, p.Arg1378Gly (NM_001376194.2); short protein forms R1378G, R1466G.
Identifiers: ClinVar variation 1712704 (VCV001712704.3), dbSNP rs1749082293, ClinGen allele CA360520736.